The following is an entry in ClinVar:

ClinVar aggregate classification (germline): Likely benign. Review status: criteria provided, multiple submitters, no conflicts (2 of 4 stars). 4 submissions from 4 submitters: Likely benign (4). Last evaluated 2025-10-01.

Allele frequency attached by ClinVar (database versions not stated): ESP Exome Variant Server 0.00139; gnomAD exomes 0.00140; TOPMed 0.00149; gnomAD 0.00155 and 0.00161; ExAC 0.00161; 1000 Genomes Project 0.00220.

Submissions (4):

CeGaT Center for Human Genetics Tuebingen
Classification: Likely benign. Last evaluated: 2025-10-01. Review status: criteria provided, single submitter. Criteria: CeGaT Center For Human Genetics Tuebingen Variant Classification Criteria Version 2. Collection method: clinical testing. Allele origin: germline. Affected: yes. Observed: 3 variant alleles.
Comment: SRRM2: BP4, BP7

Blueprint Genetics
Classification: Likely benign. Last evaluated: 2024-10-16. Review status: criteria provided, single submitter. Criteria: ACMG Guidelines, 2015. Collection method: clinical testing. Allele origin: germline.

Labcorp Genetics (formerly Invitae), Labcorp
Classification: Likely benign. Last evaluated: 2019-12-31. Review status: criteria provided, single submitter. Criteria: Invitae Variant Classification Sherloc (09022015). Collection method: clinical testing. Allele origin: germline.

Breakthrough Genomics
Classification: Likely benign. Review status: criteria provided, single submitter. Criteria: ACMG Guidelines, 2015. Collection method: not provided. Allele origin: germline. Inheritance: Unknown mechanism. Affected: yes.

NM_016333.4(SRRM2):c.7878T>C (p.Ser2626=)

Gene: SRRM2 (serine/arginine repetitive matrix 2; plus strand). Cytogenetic location: 16p13.3.
Variant type: single nucleotide variant.
Coding change: c.7878T>C on transcript NM_016333.4 (MANE Select); coding-DNA position 7878, T replaced by C.
Protein change: p.Ser2626=; no amino-acid change (serine 2626 retained).
Molecular consequence: synonymous variant.
Genome position (GRCh38, 1-based): chr16:2,769,141, T>C. VCF-style: chr16-2769141-T-C. GRCh37 (hg19) VCF-style: chr16-2819142-T-C.
Identifiers: ClinVar variation 729028 (VCV000729028.30), dbSNP rs374269313, ClinGen allele CA7849314.